The following is an entry in ClinVar:

ClinVar aggregate classification (germline): Uncertain significance (1 of 4 stars; one submission).

Allele frequency attached by ClinVar (database versions not stated): gnomAD 0.00002 and 0.00003; TOPMed 0.00002; gnomAD exomes 0.00003; ExAC 0.00004.
gnomAD v4.1: 26 of 1,614,048 alleles (0.0016%); highest among the groups gnomAD compares: South Asian, 0.015%; no homozygotes.

Submission:

Labcorp Genetics (formerly Invitae), Labcorp
Classification: Uncertain significance. Last evaluated: 2022-06-13. Review status: criteria provided, single submitter. Criteria: Invitae Variant Classification Sherloc (09022015). Collection method: clinical testing. Allele origin: germline.
Comment: Algorithms developed to predict the effect of missense changes on protein structure and function (SIFT, PolyPhen-2, Align-GVGD) all suggest that this variant is likely to be tolerated. This variant has not been reported in the literature in individuals affected with AGBL5-related conditions. This variant is present in population databases (rs761565595, gnomAD 0.02%). This sequence change replaces arginine, which is basic and polar, with histidine, which is basic and polar, at codon 798 of the AGBL5 protein (p.Arg798His). In summary, the available evidence is currently insufficient to determine the role of this variant in disease. Therefore, it has been classified as a Variant of Uncertain Significance.

NM_021831.6(AGBL5):c.2393G>A (p.Arg798His)

Gene: AGBL5 (AGBL carboxypeptidase 5; plus strand). Cytogenetic location: 2p23.3.
Variant type: single nucleotide variant.
Coding change: c.2393G>A on transcript NM_021831.6 (MANE Select); coding-DNA position 2393, G replaced by A.
Protein change: p.Arg798His; replaces arginine 798 with histidine.
Molecular consequence: missense variant. On other transcripts: non-coding transcript variant (2).
Genome position (GRCh38, 1-based): chr2:27,069,610, G>A. VCF-style: chr2-27069610-G-A. GRCh37 (hg19) VCF-style: chr2-27292478-G-A.
Other names: short protein forms R798H.
Identifiers: ClinVar variation 1397329 (VCV001397329.5), dbSNP rs761565595, ClinGen allele CA1568242.
Genomic context (GRCh38, chr2:27,069,610, plus strand): 5'-TAGCGCAAACCCTGTCCACACAGGCTAGGCCCAGGTTGGGCCGGGGCTCACCGCCGACTC[G>A]CAGAGGGATGAAAGGCTCTTCAGGCCCCACATCCCCTACCCCCCGGACCAGGGAGAGCAG-3'
Protein context (NP_068603.4, residues 788-808): PRLGRGSPPT[Arg798His]RGMKGSSGPT